The following is an entry in ClinVar:

NM_006361.6(HOXB13):c.189C>A (p.Cys63Ter)

Gene: HOXB13 (homeobox B13; minus strand). Cytogenetic location: 17q21.32.
Variant type: single nucleotide variant.
Coding change: c.189C>A on transcript NM_006361.6 (MANE Select); coding-DNA position 189, C replaced by A.
Protein change: p.Cys63Ter; replaces cysteine 63 with a stop codon.
Molecular consequence: nonsense.
Genome position (GRCh38, 1-based): chr17:48,728,405, G>T on the plus strand (C>A on the coding strand, the complement: HOXB13 is on the minus strand). VCF-style: chr17-48728405-G-T. GRCh37 (hg19) VCF-style: chr17-46805767-G-T.
Other names: short protein forms C63*.
Identifiers: ClinVar variation 690498 (VCV000690498.8), dbSNP rs1597934839, ClinGen allele CA400107985.

ClinVar aggregate classification (germline): Uncertain significance. Review status: criteria provided, multiple submitters, no conflicts (2 of 4 stars). 3 submissions from 3 submitters: Uncertain significance (2). 1 of the submissions does not count toward it. Last evaluated 2024-12-17.

Conditions:
Prostate cancer, hereditary, 1 (HPC1). Identifiers: Orphanet 1331, MedGen C4722327, MONDO:0011098, OMIM 601518.
Hereditary cancer-predisposing syndrome. Also called: Neoplastic Syndromes, Hereditary; Tumor predisposition; Hereditary neoplastic syndrome; Hereditary Cancer Syndrome. Identifiers: Orphanet 140162, MedGen C0027672, MeSH D009386, MONDO:0015356.

Allele frequency attached by ClinVar (database versions not stated): TOPMed below 0.00001.

Submissions (3):

Ambry Genetics
Classification: Uncertain significance for Hereditary cancer-predisposing syndrome. Last evaluated: 2024-12-17. Review status: criteria provided, single submitter. Criteria: Ambry Variant Classification Scheme 2023. Collection method: clinical testing. Allele origin: germline.
Comment: The p.C63* variant (also known as c.189C>A), located in coding exon 1 of the HOXB13 gene, results from a C to A substitution at nucleotide position 189. This changes the amino acid from a cysteine to a stop codon within coding exon 1. This alteration is expected to result in loss of function by premature protein truncation or nonsense-mediated mRNA decay. However, loss of function of HOXB13 has not been established as a mechanism of disease. Based on the available evidence, the clinical significance of this variant remains unclear.

Labcorp Genetics (formerly Invitae), Labcorp
Classification: Uncertain significance. Last evaluated: 2022-08-23. Review status: criteria provided, single submitter. Criteria: Invitae Variant Classification Sherloc (09022015). Collection method: clinical testing. Allele origin: germline.
Comment: In summary, the available evidence is currently insufficient to determine the role of this variant in disease. Therefore, it has been classified as a Variant of Uncertain Significance. ClinVar contains an entry for this variant (Variation ID: 690498). This variant has not been reported in the literature in individuals affected with HOXB13-related conditions. This variant is not present in population databases (gnomAD no frequency). This sequence change creates a premature translational stop signal (p.Cys63*) in the HOXB13 gene. It is expected to result in an absent or disrupted protein product. However, the current clinical and genetic evidence is not sufficient to establish whether loss-of-function variants in HOXB13 cause disease.

Laboratory of Virology, Microbiology,  Quality and Medical Biotechnologies, Faculty of Sciences and Techniques - Mohammedia, Hassan II University of Casablanca
Classification: Uncertain significance for Prostate cancer, hereditary, 1. Review status: no assertion criteria provided. Collection method: clinical testing. Allele origin: somatic. Affected: yes. Not counted in ClinVar's aggregate classification.